The following is an entry in ClinVar:

NM_014363.6(SACS):c.8822T>G (p.Leu2941Ter)

Gene: SACS (sacsin molecular chaperone; minus strand). Cytogenetic location: 13q12.12.
Variant type: single nucleotide variant.
Coding change: c.8822T>G on transcript NM_014363.6 (MANE Select); coding-DNA position 8822, T replaced by G.
Protein change: p.Leu2941Ter; replaces leucine 2941 with a stop codon.
Molecular consequence: nonsense.
Genome position (GRCh38, 1-based): chr13:23,335,054, A>C on the plus strand (T>G on the coding strand, the complement: SACS is on the minus strand). VCF-style: chr13-23335054-A-C. GRCh37 (hg19) VCF-style: chr13-23909193-A-C.
Other names: c.8381T>G, p.Leu2794Ter (NM_001278055.2); short protein forms L2794*, L2941*.
Identifiers: ClinVar variation 1454115 (VCV001454115.8), dbSNP rs530269705, ClinGen allele CA387515791.

ClinVar aggregate classification (germline): Pathogenic (1 of 4 stars; one submission).

Conditions:
Spastic paraplegia. Identifiers: MedGen C0037772, HP:0001258.

gnomAD v4.1: 10 of 1,613,264 alleles (0.00062%); highest among the groups gnomAD compares: Non-Finnish European, 0.00085%; no homozygotes.

Submission:

Labcorp Genetics (formerly Invitae), Labcorp
Classification: Pathogenic for Spastic paraplegia. Last evaluated: 2021-02-12. Review status: criteria provided, single submitter. Criteria: Invitae Variant Classification Sherloc (09022015). Collection method: clinical testing. Allele origin: germline.
Comment: For these reasons, this variant has been classified as Pathogenic. This variant disrupts the C-terminus of the SACS protein. Other variant(s) that disrupt this region (p.Tyr4538*) have been determined to be pathogenic (Invitae). This suggests that variants that disrupt this region of the protein are likely to be causative of disease. This variant has not been reported in the literature in individuals with SACS-related conditions. This variant is not present in population databases (ExAC no frequency). This sequence change creates a premature translational stop signal (p.Leu2941*) in the SACS gene. While this is not anticipated to result in nonsense mediated decay, it is expected to disrupt the last 1639 amino acid(s) of the SACS protein.